The following is an entry in ClinVar:

ClinVar aggregate classification (germline): Uncertain significance (1 of 4 stars; one submission).

Submission:

Labcorp Genetics (formerly Invitae), Labcorp
Classification: Uncertain significance. Last evaluated: 2024-08-28. Review status: criteria provided, single submitter. Criteria: Invitae Variant Classification Sherloc (09022015). Collection method: clinical testing. Allele origin: germline.
Comment: This sequence change falls in intron 19 of the ITPR1 gene. It does not directly change the encoded amino acid sequence of the ITPR1 protein. This variant is not present in population databases (gnomAD no frequency). This variant has not been reported in the literature in individuals affected with ITPR1-related conditions. Experimental studies and prediction algorithms are not available or were not evaluated, and the effect of this variant on mRNA splicing is currently unknown. In summary, the available evidence is currently insufficient to determine the role of this variant in disease. Therefore, it has been classified as a Variant of Uncertain Significance.

NM_001378452.1(ITPR1):c.2204+14_2204+44del

Gene: ITPR1 (inositol 1,4,5-trisphosphate receptor type 1; plus strand). Cytogenetic location: 3p26.1.
Variant type: Deletion.
Coding change: c.2204+14_2204+44del on transcript NM_001378452.1 (MANE Select); bases 14 to 44 of the intron after coding-DNA position 2204, 31 bases deleted.
Molecular consequence: intron variant.
Genome position (GRCh38, 1-based): chr3:4,670,940-4,670,970, 31 bases deleted; deleting any 31 consecutive bases within chr3:4,670,938-4,670,970 gives the same sequence; the c. name uses the placement nearest the transcript's 3' end. GRCh37 (hg19): chr3:4,712,624-4,712,654.
Other names: c.2204+14_2204+44del (NM_001099952.4); c.2159+14_2159+44del (NM_001168272.2, NM_002222.7).
Identifiers: ClinVar variation 3663615 (VCV003663615.2).